The following is an entry in ClinVar:

ClinVar aggregate classification (germline): Uncertain significance (1 of 4 stars; one submission).

Submission:

GeneDx
Classification: Uncertain significance. Last evaluated: 2026-03-23. Review status: criteria provided, single submitter. Criteria: GeneDx Variant Classification Process June 2021. Collection method: clinical testing. Allele origin: germline.
Comment: Not observed at significant frequency in large population cohorts (gnomAD); In silico analysis suggests that this missense variant does not alter protein structure/function; Has not been previously published as pathogenic or benign to our knowledge

NM_012193.4(FZD4):c.1376T>A (p.Ile459Asn)

Genes: FZD4 (frizzled class receptor 4; minus strand), PRSS23 (serine protease 23; plus strand). Cytogenetic location: 11q14.2.
Variant type: single nucleotide variant.
Coding change: c.1376T>A on transcript NM_012193.4 (MANE Select); coding-DNA position 1376, T replaced by A.
Protein change: p.Ile459Asn; replaces isoleucine 459 with asparagine.
Molecular consequence: missense variant. On other transcripts: non-coding transcript variant (2).
Genome position (GRCh38, 1-based): chr11:86,951,380, A>T on the plus strand (T>A on the coding strand, the complement: FZD4 is on the minus strand). VCF-style: chr11-86951380-A-T. GRCh37 (hg19) VCF-style: chr11-86662422-A-T.
Other names: short protein forms I459N.
Identifiers: ClinVar variation 5017304 (VCV005017304.1).
Genomic context (GRCh38, chr11:86,951,380, plus strand): 5'-AACATTTCAACAGCCATGTTGGAATCATCTGCAGAATACCGAAAAAGTGCCCAGTTGGAG[A>T]TTTCATAAAAATAACAGGCAATCACACACGTTGCAGGAACTGTGTACAGTACTGAGAACA-3'
Protein context (NP_036325.2, residues 449-469): TCVIACYFYE[Ile459Asn]SNWALFRYSA